The following is an entry in ClinVar:

ClinVar aggregate classification (germline): Uncertain significance (1 of 4 stars; one submission).

Conditions:
Hereditary cancer-predisposing syndrome. Also called: Tumor predisposition; Neoplastic Syndromes, Hereditary; Hereditary neoplastic syndrome; Hereditary Cancer Syndrome. Identifiers: Orphanet 140162, MedGen C0027672, MeSH D009386, MONDO:0015356.

Submission:

Ambry Genetics
Classification: Uncertain significance for Hereditary cancer-predisposing syndrome. Last evaluated: 2024-09-13. Review status: criteria provided, single submitter. Criteria: Ambry Variant Classification Scheme 2023. Collection method: clinical testing. Allele origin: germline.
Comment: The c.3994-161G>C intronic variant results from a G to C substitution 161 nucleotides upstream from coding exon 26 in the ATM gene. This nucleotide position is well conserved in available vertebrate species. In silico splice site analysis for this alteration is inconclusive. RNA studies have demonstrated that this alteration results in a splice defect; the clinical impact of this abnormal splicing is unknown at this time (Ambry internal data). Based on the available evidence, the clinical significance of this alteration remains unclear.

NM_000051.4(ATM):c.3994-161G>C

Gene: ATM (ATM serine/threonine kinase; plus strand). Cytogenetic location: 11q22.3.
Variant type: single nucleotide variant.
Coding change: c.3994-161G>C on transcript NM_000051.4 (MANE Select); 161 bases into the intron before coding-DNA position 3994, G replaced by C.
Molecular consequence: intron variant.
Genome position (GRCh38, 1-based): chr11:108,287,439, G>C. VCF-style: chr11-108287439-G-C. GRCh37 (hg19) VCF-style: chr11-108158166-G-C.
Other names: c.3994-161G>C (NM_001351834.2).
Identifiers: ClinVar variation 3451117 (VCV003451117.1).
Genomic context (GRCh38, chr11:108,287,439, plus strand): 5'-TTTGGCTGATTTTCATACTTTTTCCTCTTAGTCTACAGGTTGGCTGCATAGAAGAAAAAG[G>C]TAGAGTTATTTATAATCTTGTAAATCTTGGACTTTGAGTCATCTATTTTCTTTTACAGTC-3'